The following is an entry in ClinVar:

NM_006580.4(CLDN16):c.-45G>C

Gene: CLDN16 (claudin 16; plus strand). Cytogenetic location: 3q28.
Variant type: single nucleotide variant.
Coding change: c.-45G>C on transcript NM_006580.4 (MANE Select); 45 bases upstream of the start codon, G replaced by C.
Molecular consequence: 5 prime UTR variant.
Genome position (GRCh38, 1-based): chr3:190,388,285, G>C. VCF-style: chr3-190388285-G-C. GRCh37 (hg19) VCF-style: chr3-190106074-G-C.
Other names: c.-45G>C (NM_001378492.1, NM_001378493.1); short protein forms A56P.
Identifiers: ClinVar variation 344445 (VCV000344445.22), dbSNP rs3214506, ClinGen allele CA2753712.
Genomic context (GRCh38, chr3:190,388,285, plus strand): 5'-TCACATTGCCAGGTACCAGAAACACAGAAGACTGACACCCGCCACTTAAGTGGGGCCAGG[G>C]CTGGTGTCTGCCCATGTTGCCATCCTGATGGGCTGCTTGCCACAATGAGGGATCTTCTTC-3'

ClinVar aggregate classification (germline): Benign. Review status: criteria provided, multiple submitters, no conflicts (2 of 4 stars). 8 submissions from 8 submitters: Benign (8). Last evaluated 2026-02-04.

Conditions:
Primary hypomagnesemia (HOMG3). Also called: HYPOMAGNESEMIA 3, RENAL; HYPOMAGNESEMIA, FAMILIAL, WITH HYPERCALCIURIA AND NEPHROCALCINOSIS; HYPOMAGNESEMIA, ISOLATED RENAL; HYPOMAGNESEMIA, PRIMARY, DUE TO DEFECT IN RENAL TUBULAR TRANSPORT OF MAGNESIUM. Identifiers: Orphanet 31043, MedGen C0268448, MONDO:0009550, OMIM 248250.

Allele frequency attached by ClinVar (database versions not stated): TOPMed 0.17246; gnomAD 0.18551 and 0.18663; gnomAD exomes 0.19306 and 0.22224; ExAC 0.19454; 1000 Genomes Project 0.11701; 1000 Genomes Project 30x 0.11993.
gnomAD v4.1: 352,719 of 1,613,798 alleles (22%); highest among the groups gnomAD compares: Middle Eastern, 27%; 41,134 homozygotes.

Submissions (8):

Labcorp Genetics (formerly Invitae), Labcorp
Classification: Benign. Last evaluated: 2026-02-04. Review status: criteria provided, single submitter. Criteria: Invitae Variant Classification Sherloc (09022015). Collection method: clinical testing. Allele origin: germline.

Blueprint Genetics
Classification: Benign. Last evaluated: 2024-11-26. Review status: criteria provided, single submitter. Criteria: ACMG Guidelines, 2015. Collection method: clinical testing. Allele origin: germline.

Mayo Clinic Laboratories, Mayo Clinic
Classification: Benign. Last evaluated: 2022-03-09. Review status: criteria provided, single submitter. Criteria: ACMG Guidelines, 2015. Collection method: clinical testing. Allele origin: germline. Observed: 56 variant alleles.

Genome-Nilou Lab
Classification: Benign for Primary hypomagnesemia. Last evaluated: 2021-07-22. Review status: criteria provided, single submitter. Criteria: ACMG Guidelines, 2015. Collection method: clinical testing. Allele origin: germline. Affected: no.

GeneDx
Classification: Benign. Last evaluated: 2018-11-10. Review status: criteria provided, single submitter. Criteria: GeneDx Variant Classification Process June 2021. Collection method: clinical testing. Allele origin: germline. Affected: yes.

Illumina Laboratory Services, Illumina
Classification: Benign for Primary hypomagnesemia. Last evaluated: 2018-01-13. Review status: criteria provided, single submitter. Criteria: ICSL Variant Classification Criteria 13 December 2019. Collection method: clinical testing. Allele origin: germline.
Comment: This variant was observed in the ICSL laboratory as part of a predisposition screen in an ostensibly healthy population. It had not been previously curated by ICSL or reported in the Human Gene Mutation Database (HGMD: prior to June 1st, 2018), and was therefore a candidate for classification through an automated scoring system. Utilizing variant allele frequency, disease prevalence and penetrance estimates, and inheritance mode, an automated score was calculated to assess if this variant is too frequent to cause the disease. Based on the score and internal cut-off values, a variant classified as benign is not then subjected to further curation. The score for this variant resulted in a classification of benign for this disease.

Laboratory for Molecular Medicine, Mass General Brigham Personalized Medicine
Classification: Benign. Last evaluated: 2016-03-21. Review status: criteria provided, single submitter. Criteria: LMM Criteria. Collection method: clinical testing. Allele origin: germline. Observed: 1 variant allele.
Comment: p.Ala56Pro in exon 1 of CLDN16: This variant is not expected to have clinical si gnificance because it has been identified in 25.09% (16723/66656) of European ch romosomes by the Exome Aggregation Consortium (ExAC. org; dbSNP rs3214506).

Breakthrough Genomics
Classification: Benign. Review status: criteria provided, single submitter. Criteria: ACMG Guidelines, 2015. Collection method: not provided. Allele origin: germline. Inheritance: Autosomal recessive inheritance. Affected: yes.